The following is an entry in ClinVar:

NM_001040716.2(PC):c.3362_3363del (p.Ile1121fs)

Gene: PC (pyruvate carboxylase; minus strand). Cytogenetic location: 11q13.2.
Variant type: Deletion.
Coding change: c.3362_3363del on transcript NM_001040716.2 (MANE Select); coding-DNA positions 3362 to 3363, 2 bases deleted (TA; older notation c.3362_3363delTA).
Protein change: p.Ile1121fs; shifts the reading frame from isoleucine 1121.
Molecular consequence: frameshift variant.
Genome position (GRCh38, 1-based): chr11:66,849,073-66,849,074, TA deleted on the plus strand (TA on the coding strand, the reverse complement: PC is on the minus strand); deleting any 2 consecutive bases within chr11:66,849,073-66,849,075 gives the same sequence; the c. name uses the placement nearest the transcript's 3' end. VCF-style (leftmost placement, unchanged base first): chr11-66849072-CTA-C. GRCh37 (hg19) VCF-style: chr11-66616543-CTA-C.
Other names: c.3362_3363del, p.Ile1121fs (NM_000920.4, NM_022172.3); short protein forms I1121fs.
Identifiers: ClinVar variation 2703410 (VCV002703410.3), dbSNP rs2495380515, ClinGen allele CA2697548745.

ClinVar aggregate classification (germline): Pathogenic (1 of 4 stars; one submission).

Conditions:
Pyruvate carboxylase deficiency. Also called: Pyruvate Carboxylase Deficiency Disease; ATAXIA WITH LACTIC ACIDOSIS II; LEIGH NECROTIZING ENCEPHALOPATHY DUE TO PYRUVATE CARBOXYLASE DEFICIENCY; LEIGH SYNDROME DUE TO PYRUVATE CARBOXYLASE DEFICIENCY; PC DEFICIENCY. Identifiers: Orphanet 3008, MedGen C0034341, MONDO:0009949, OMIM 266150.

Submission:

Labcorp Genetics (formerly Invitae), Labcorp
Classification: Pathogenic for Pyruvate carboxylase deficiency. Last evaluated: 2023-12-15. Review status: criteria provided, single submitter. Criteria: Invitae Variant Classification Sherloc (09022015). Collection method: clinical testing. Allele origin: germline.
Comment: This sequence change creates a premature translational stop signal (p.Ile1121Argfs*50) in the PC gene. While this is not anticipated to result in nonsense mediated decay, it is expected to disrupt the last 58 amino acid(s) of the PC protein. This variant is not present in population databases (gnomAD no frequency). This variant has not been reported in the literature in individuals affected with PC-related conditions. Algorithms developed to predict the effect of sequence changes on RNA splicing suggest that this variant may create or strengthen a splice site. This variant disrupts a region of the PC protein in which other variant(s) (p.Leu1137Valfs*34) have been determined to be pathogenic (PMID: 18676167, 23430542). This suggests that this is a clinically significant region of the protein, and that variants that disrupt it are likely to be disease-causing. For these reasons, this variant has been classified as Pathogenic.

Literature cited by the submitters: PubMed 18676167; PubMed 23430542.